The following is an entry in ClinVar:

NM_002334.4(LRP4):c.3406C>T (p.Arg1136Trp)

Gene: LRP4 (LDL receptor related protein 4; minus strand). Cytogenetic location: 11p11.2.
Variant type: single nucleotide variant.
Coding change: c.3406C>T on transcript NM_002334.4 (MANE Select); coding-DNA position 3406, C replaced by T.
Protein change: p.Arg1136Trp; replaces arginine 1136 with tryptophan.
Molecular consequence: missense variant.
Genome position (GRCh38, 1-based): chr11:46,876,596, G>A on the plus strand (C>T on the coding strand, the complement: LRP4 is on the minus strand). VCF-style: chr11-46876596-G-A. GRCh37 (hg19) VCF-style: chr11-46898147-G-A.
Other names: c.3406C>T (NM_002334.3); short protein forms R1136W.
Identifiers: ClinVar variation 1056729 (VCV001056729.9), dbSNP rs777439267, ClinGen allele CA5969603.

ClinVar aggregate classification (germline): Uncertain significance. Review status: criteria provided, multiple submitters, no conflicts (2 of 4 stars). 2 submissions from 2 submitters: Uncertain significance (2). Last evaluated 2025-05-04.

Conditions:
Cenani-Lenz syndactyly syndrome. Also called: SYNDACTYLY, TYPE VII; CENANI SYNDACTYLISM. Identifiers: Orphanet 3258, MedGen C1859309, MONDO:0008931, OMIM 212780.
Sclerosteosis 2 (SOST2). Identifiers: Orphanet 3152, MedGen C3280402, MONDO:0013679, OMIM 614305.
Congenital myasthenic syndrome 17. Identifiers: Orphanet 590, MedGen C4225377, MONDO:0014578, OMIM 616304.
Inborn genetic diseases. Identifiers: MedGen C0950123, MeSH D030342.

Allele frequency attached by ClinVar (database versions not stated): gnomAD exomes below 0.00001; TOPMed 0.00001; ExAC 0.00001.
gnomAD v4.1: 6 of 1,614,122 alleles (0.00037%); highest among the groups gnomAD compares: Admixed American, 0.0017%; no homozygotes.

Submissions (2):

Ambry Genetics
Classification: Uncertain significance for Inborn genetic diseases. Last evaluated: 2025-05-04. Review status: criteria provided, single submitter. Criteria: Ambry Variant Classification Scheme 2023. Collection method: clinical testing. Allele origin: germline.

Labcorp Genetics (formerly Invitae), Labcorp
Classification: Uncertain significance for Cenani-Lenz syndactyly syndrome; Sclerosteosis 2; Congenital myasthenic syndrome 17. Last evaluated: 2023-12-26. Review status: criteria provided, single submitter. Criteria: Invitae Variant Classification Sherloc (09022015). Collection method: clinical testing. Allele origin: germline.
Comment: This sequence change replaces arginine, which is basic and polar, with tryptophan, which is neutral and slightly polar, at codon 1136 of the LRP4 protein (p.Arg1136Trp). This variant is present in population databases (rs777439267, gnomAD 0.003%). This variant has not been reported in the literature in individuals affected with LRP4-related conditions. ClinVar contains an entry for this variant (Variation ID: 1056729). Advanced modeling of protein sequence and biophysical properties (such as structural, functional, and spatial information, amino acid conservation, physicochemical variation, residue mobility, and thermodynamic stability) performed at Invitae indicates that this missense variant is not expected to disrupt LRP4 protein function with a negative predictive value of 80%. In summary, the available evidence is currently insufficient to determine the role of this variant in disease. Therefore, it has been classified as a Variant of Uncertain Significance.